The following is an entry in ClinVar:

ClinVar aggregate classification (germline): Benign/Likely benign. Review status: criteria provided, multiple submitters, no conflicts (2 of 4 stars). 4 submissions from 4 submitters: Benign (2); Likely benign (1). 1 of the submissions does not count toward it. Last evaluated 2026-02-04.

Conditions:
AAAS-related disorder. Also called: AAAS-related condition.

Allele frequency attached by ClinVar (database versions not stated): gnomAD exomes 0.00179 and 0.00479; ExAC 0.00603; gnomAD 0.01897 and 0.02027; 1000 Genomes Project 0.01917; 1000 Genomes Project 30x 0.01983; TOPMed 0.02196; ESP Exome Variant Server 0.02537.
gnomAD v4.1: 5,606 of 1,614,170 alleles (0.35%); highest among the groups gnomAD compares: African/African-American, 6.7%; 171 homozygotes.

Submissions (4):

Labcorp Genetics (formerly Invitae), Labcorp
Classification: Benign. Last evaluated: 2026-02-04. Review status: criteria provided, single submitter. Criteria: Invitae Variant Classification Sherloc (09022015). Collection method: clinical testing. Allele origin: germline.

Mayo Clinic Laboratories, Mayo Clinic
Classification: Benign. Last evaluated: 2019-10-30. Review status: criteria provided, single submitter. Criteria: ACMG Guidelines, 2015. Collection method: clinical testing. Allele origin: germline. Observed: 13 variant alleles.

Breakthrough Genomics
Classification: Likely benign. Review status: criteria provided, single submitter. Criteria: ACMG Guidelines, 2015. Collection method: not provided. Allele origin: germline. Inheritance: Autosomal recessive inheritance. Affected: yes.

PreventionGenetics, part of Exact Sciences
Classification: Benign for AAAS-related condition. Last evaluated: 2019-02-21. Review status: no assertion criteria provided. Collection method: clinical testing. Allele origin: germline. Not counted in ClinVar's aggregate classification.
Comment: This variant is classified as benign based on ACMG/AMP sequence variant interpretation guidelines (Richards et al. 2015 PMID: 25741868, with internal and published modifications).

NM_015665.6(AAAS):c.1557T>C (p.Thr519=)

Gene: AAAS (aladin WD repeat nucleoporin; minus strand). Cytogenetic location: 12q13.13.
Variant type: single nucleotide variant.
Coding change: c.1557T>C on transcript NM_015665.6 (MANE Select); coding-DNA position 1557, T replaced by C.
Protein change: p.Thr519=; no amino-acid change (threonine 519 retained).
Molecular consequence: synonymous variant.
Genome position (GRCh38, 1-based): chr12:53,307,573, A>G on the plus strand (T>C on the coding strand, the complement: AAAS is on the minus strand). VCF-style: chr12-53307573-A-G. GRCh37 (hg19) VCF-style: chr12-53701357-A-G.
Other names: p.Thr519=; c.1458T>C, p.Thr486= (NM_001173466.2).
Identifiers: ClinVar variation 309721 (VCV000309721.18), dbSNP rs112987708, ClinGen allele CA6598801.